The following is an entry in ClinVar:

NM_032387.5(WNK4):c.1868T>C (p.Phe623Ser)

Gene: WNK4 (WNK lysine deficient protein kinase 4; plus strand). Cytogenetic location: 17q21.2.
Variant type: single nucleotide variant.
Coding change: c.1868T>C on transcript NM_032387.5 (MANE Select); coding-DNA position 1868, T replaced by C.
Protein change: p.Phe623Ser; replaces phenylalanine 623 with serine.
Molecular consequence: missense variant.
Genome position (GRCh38, 1-based): chr17:42,788,134, T>C. VCF-style: chr17-42788134-T-C. GRCh37 (hg19) VCF-style: chr17-40940152-T-C.
Other names: c.860T>C, p.Phe287Ser (NM_001321299.2); short protein forms F287S, F623S.
Identifiers: ClinVar variation 4681979 (VCV004681979.5).

ClinVar aggregate classification (germline): Uncertain significance (1 of 4 stars; one submission).

Submission:

CeGaT Center for Human Genetics Tuebingen
Classification: Uncertain significance. Last evaluated: 2025-12-01. Review status: criteria provided, single submitter. Criteria: CeGaT Center For Human Genetics Tuebingen Variant Classification Criteria Version 2. Collection method: clinical testing. Allele origin: germline. Affected: yes. Observed: 1 variant allele.
Comment: WNK4: PM2